The following is an entry in ClinVar:

NM_016507.4(CDK12):c.115G>T (p.Val39Leu)

Genes: CDK12 (cyclin dependent kinase 12; plus strand), LOC126862553 (CDK7 strongly-dependent group 2 enhancer GRCh37_chr17:37618166-37619365; plus strand). Cytogenetic location: 17q12.
Variant type: single nucleotide variant.
Coding change: c.115G>T on transcript NM_016507.4 (MANE Select); coding-DNA position 115, G replaced by T.
Protein change: p.Val39Leu; replaces valine 39 with leucine.
Molecular consequence: missense variant.
Genome position (GRCh38, 1-based): chr17:39,462,186, G>T. VCF-style: chr17-39462186-G-T. GRCh37 (hg19) VCF-style: chr17-37618439-G-T.
Other names: c.115G>T, p.Val39Leu (NM_015083.4); short protein forms V39L.
Identifiers: ClinVar variation 4224417 (VCV004224417.1).
Genomic context (GRCh38, chr17:39,462,186, plus strand): 5'-GGAACTTTGCAGCCGTCATCGGGAGGCGGCAGCTCTAACAGCAGAGAGCGTCACCGCTTG[G>T]TATCGAAGCACAAGCGGCATAAGTCCAAACACTCCAAAGACATGGGGTTGGTGACCCCCG-3'
Protein context (NP_057591.2, residues 29-49): SSNSRERHRL[Val39Leu]SKHKRHKSKH

ClinVar aggregate classification (germline): Uncertain significance (1 of 4 stars; one submission).

Submission:

Ambry Genetics
Classification: Uncertain significance. Last evaluated: 2025-08-25. Review status: criteria provided, single submitter. Criteria: Ambry Variant Classification Scheme 2023. Collection method: clinical testing. Allele origin: germline.
Comment: The p.V39L variant (also known as c.115G>T), located in coding exon 1 of the CDK12 gene, results from a G to T substitution at nucleotide position 115. The valine at codon 39 is replaced by leucine, an amino acid with highly similar properties. This amino acid position is conserved. In addition, this alteration is predicted to be tolerated by in silico analysis. Based on the available evidence, the clinical significance of this variant remains unclear.